The following is an entry in ClinVar:

NM_000287.4(PEX6):c.2882C>T (p.Ser961Leu)

Gene: PEX6 (peroxisomal biogenesis factor 6; minus strand). Cytogenetic location: 6p21.1.
Variant type: single nucleotide variant.
Coding change: c.2882C>T on transcript NM_000287.4 (MANE Select); coding-DNA position 2882, C replaced by T.
Protein change: p.Ser961Leu; replaces serine 961 with leucine.
Molecular consequence: missense variant. On other transcripts: non-coding transcript variant (1).
Genome position (GRCh38, 1-based): chr6:42,964,396, G>A on the plus strand (C>T on the coding strand, the complement: PEX6 is on the minus strand). VCF-style: chr6-42964396-G-A. GRCh37 (hg19) VCF-style: chr6-42932134-G-A.
Other names: c.2618C>T, p.Ser873Leu (NM_001316313.2); short protein forms S961L, S873L.
Identifiers: ClinVar variation 287777 (VCV000287777.10), dbSNP rs886043724, ClinGen allele CA10605867.

ClinVar aggregate classification (germline): Uncertain significance. Review status: criteria provided, multiple submitters, no conflicts (2 of 4 stars). 2 submissions from 2 submitters: Uncertain significance (2). Last evaluated 2022-07-12.

Conditions:
Peroxisome biogenesis disorder. Identifiers: Orphanet 79189, MedGen C1832200, MONDO:0019234. Disease mechanism: loss of function.

Submissions (2):

Labcorp Genetics (formerly Invitae), Labcorp
Classification: Uncertain significance for Peroxisome biogenesis disorder. Last evaluated: 2022-07-12. Review status: criteria provided, single submitter. Criteria: Invitae Variant Classification Sherloc (09022015). Collection method: clinical testing. Allele origin: germline.
Comment: This sequence change replaces serine, which is neutral and polar, with leucine, which is neutral and non-polar, at codon 961 of the PEX6 protein (p.Ser961Leu). This variant is not present in population databases (gnomAD no frequency). This variant has not been reported in the literature in individuals affected with PEX6-related conditions. ClinVar contains an entry for this variant (Variation ID: 287777). Algorithms developed to predict the effect of missense changes on protein structure and function (SIFT, PolyPhen-2, Align-GVGD) all suggest that this variant is likely to be disruptive. In summary, the available evidence is currently insufficient to determine the role of this variant in disease. Therefore, it has been classified as a Variant of Uncertain Significance.

Eurofins Ntd Llc (ga)
Classification: Uncertain significance. Last evaluated: 2016-04-26. Review status: criteria provided, single submitter. Criteria: EGL Classification Definitions 2015. Collection method: clinical testing. Allele origin: germline. Observed: 1 variant allele, 1 heterozygote.